The following is an entry in ClinVar:

ClinVar aggregate classification (germline): Uncertain significance (1 of 4 stars; one submission).

Conditions:
Intellectual developmental disorder, X-linked, syndromic, Hedera type. Also called: Syndromic X-linked intellectual disability Hedera type. Identifiers: Orphanet 93952, MedGen C1845543, MONDO:0010319, OMIM 300423.

Submission:

Labcorp Genetics (formerly Invitae), Labcorp
Classification: Uncertain significance for Intellectual developmental disorder, X-linked, syndromic, Hedera type. Last evaluated: 2025-07-31. Review status: criteria provided, single submitter. Criteria: Invitae Variant Classification Sherloc (09022015). Collection method: clinical testing. Allele origin: germline.
Comment: This sequence change replaces proline, which is neutral and non-polar, with serine, which is neutral and polar, at codon 89 of the ATP6AP2 protein (p.Pro89Ser). This variant is not present in population databases (gnomAD no frequency). This variant has not been reported in the literature in individuals affected with ATP6AP2-related conditions. ClinVar contains an entry for this variant (Variation ID: 3651735). Invitae Evidence Modeling of protein sequence and biophysical properties (such as structural, functional, and spatial information, amino acid conservation, physicochemical variation, residue mobility, and thermodynamic stability) indicates that this missense variant is not expected to disrupt ATP6AP2 protein function with a negative predictive value of 80%. In summary, the available evidence is currently insufficient to determine the role of this variant in disease. Therefore, it has been classified as a Variant of Uncertain Significance.

NM_005765.3(ATP6AP2):c.265C>T (p.Pro89Ser)

Gene: ATP6AP2 (ATPase H+ transporting accessory protein 2; plus strand). Cytogenetic location: Xp11.4.
Variant type: single nucleotide variant.
Coding change: c.265C>T on transcript NM_005765.3 (MANE Select); coding-DNA position 265, C replaced by T.
Protein change: p.Pro89Ser; replaces proline 89 with serine.
Molecular consequence: missense variant.
Genome position (GRCh38, 1-based): chrX:40,591,330, C>T. VCF-style: chrX-40591330-C-T. GRCh37 (hg19) VCF-style: chrX-40450582-C-T.
Other names: short protein forms P89S.
Identifiers: ClinVar variation 3651735 (VCV003651735.2).
Genomic context (GRCh38, chrX:40,591,330, plus strand): 5'-TTTCATCGTCCTCGGGCTACCGTCATGGTGATGGTGAAGGGAGTGAACAAACTGGCTCTA[C>T]CCCCAGGCAGTGTCATTTCGTACCCTTTGGAGAATGTGAGTATTTATTATAAAAAATTAA-3'
Protein context (NP_005756.2, residues 79-99): MVKGVNKLAL[Pro89Ser]PGSVISYPLE